The following is an entry in ClinVar:

NM_001142800.2(EYS):c.5182del (p.Ser1728fs)

Gene: EYS (EGF-like photoreceptor maintenance factor; minus strand). Cytogenetic location: 6q12.
Variant type: Deletion.
Coding change: c.5182del on transcript NM_001142800.2 (MANE Select); coding-DNA position 5182, one base deleted (A; older notation c.5182delA).
Protein change: p.Ser1728fs; shifts the reading frame from serine 1728.
Molecular consequence: frameshift variant.
Genome position (GRCh38, 1-based): chr6:64,590,685, T deleted on the plus strand (A on the coding strand, the reverse complement: EYS is on the minus strand); the first of 6 consecutive T bases (chr6:64,590,685-64,590,690); deleting any one gives the same sequence. VCF-style (leftmost placement, unchanged base first): chr6-64590684-CT-C. GRCh37 (hg19) VCF-style: chr6-65300577-CT-C.
Other names: c.5182del, p.Ser1728fs (NM_001292009.2); c.5182delA (NM_001142800.1); short protein forms S1728fs.
Identifiers: ClinVar variation 802234 (VCV000802234.10), dbSNP rs1562079278, ClinGen allele CA915311795.
Genomic context (GRCh38, chr6:64,590,684, plus strand): 5'-AACTCAAAATCCAGAGAACTATCACTTGGGTGAAGTTTGAACAGTGTATGAGATCCTTTA[CT>C]TTTTTCCATGTCCAATAAGCTCTCTTGATTTAGTACCTCAGTGGGTCCCATAGTTATGCC-3'

ClinVar aggregate classification (germline): Pathogenic. Review status: criteria provided, multiple submitters, no conflicts (2 of 4 stars). 3 submissions from 3 submitters: Pathogenic (3). Last evaluated 2025-07-07.

Conditions:
EYS-related disorder. Also called: EYS-related condition.
Retinitis pigmentosa 25 (RP25). Identifiers: Orphanet 791, MedGen C1864446, MONDO:0011272, OMIM 602772.

Submissions (3):

Labcorp Genetics (formerly Invitae), Labcorp
Classification: Pathogenic. Last evaluated: 2025-07-07. Review status: criteria provided, single submitter. Criteria: Invitae Variant Classification Sherloc (09022015). Collection method: clinical testing. Allele origin: germline.
Comment: This sequence change creates a premature translational stop signal (p.Ser1728Valfs*21) in the EYS gene. It is expected to result in an absent or disrupted protein product. Loss-of-function variants in EYS are known to be pathogenic (PMID: 18836446, 20333770). This variant is not present in population databases (gnomAD no frequency). This variant has not been reported in the literature in individuals affected with EYS-related conditions. ClinVar contains an entry for this variant (Variation ID: 802234). For these reasons, this variant has been classified as Pathogenic.

PreventionGenetics, part of Exact Sciences
Classification: Pathogenic for EYS-related condition. Last evaluated: 2025-06-25. Review status: criteria provided, single submitter. Criteria: ACMG Guidelines, 2015. Collection method: clinical testing. Allele origin: germline.
Comment: The EYS c.5182delA variant is predicted to result in a frameshift and premature protein termination (p.Ser1728Valfs*21). This variant has been reported in an individual with EYS-related retinal disease (da Silva Martins et al. 2024. PubMed ID: 39607159). This variant is reported in 0.0065% of alleles in individuals of European (Non-Finnish) descent in gnomAD. Frameshift variants in EYS are expected to be pathogenic. This variant is interpreted as pathogenic.

Mendelics
Classification: Pathogenic for Retinitis pigmentosa 25. Last evaluated: 2019-05-28. Review status: criteria provided, single submitter. Criteria: Mendelics Assertion Criteria 2017. Collection method: clinical testing. Allele origin: unknown.

Literature cited by the submitters: PubMed 18836446 (cited by Labcorp Genetics (formerly Invitae), Labcorp); PubMed 20333770 (cited by Labcorp Genetics (formerly Invitae), Labcorp).